The following is an entry in ClinVar:

ClinVar aggregate classification (germline): Pathogenic. Review status: criteria provided, multiple submitters, no conflicts (2 of 4 stars). 6 submissions from 6 submitters: Pathogenic (4). 2 of the submissions do not count toward it. Last evaluated 2026-06-22.

Conditions:
Developmental and epileptic encephalopathy, 37 (DEE37). Also called: Epileptic encephalopathy, early infantile, 37. Identifiers: MedGen C4310770, MONDO:0014859, OMIM 616981.
Inborn genetic diseases. Identifiers: MedGen C0950123, MeSH D030342.
Seizure. Also called: Seizures. Identifiers: MedGen C0036572, HP:0001250.
Chorea. Also called: Choreatic disease; Choreiform movements. Identifiers: Orphanet 1429, MedGen C0008489, MONDO:0001595, HP:0002072.
Progressive encephalopathy. Identifiers: MedGen C1838578, HP:0002448.

Submissions (6):

Ambry Genetics
Classification: Pathogenic for Inborn genetic diseases. Last evaluated: 2026-06-22. Review status: criteria provided, single submitter. Criteria: Ambry Variant Classification Scheme 2023. Collection method: clinical testing. Allele origin: germline.
Comment: The c.436dupA alteration, located in exon 2 (coding exon 2) of the FRRS1L gene, consists of a duplication of A at position 436, causing a translational frameshift with a predicted alternate stop codon after amino acids. This variant is expected to result in loss of function by premature protein truncation or nonsense-mediated mRNA decay. This variant was not reported in population-based cohorts in the Genome Aggregation Database (gnomAD). This variant has been identified in the homozygous state and/or in conjunction with other FRRS1L variant(s) in individual(s) with features consistent with FRRS1L-related developmental and epileptic encephalopathy (Madeo, 2016). Based on the available evidence, this alteration is classified as pathogenic.

Center of Human Genetics, Hôpital Erasme
Classification: Pathogenic for Developmental and epileptic encephalopathy, 37. Last evaluated: 2025-01-01. Review status: criteria provided, single submitter. Criteria: ACMG Guidelines, 2015. Collection method: clinical testing. Allele origin: inherited. Affected: yes.

Labcorp Genetics (formerly Invitae), Labcorp
Classification: Pathogenic for Developmental and epileptic encephalopathy, 37. Last evaluated: 2023-08-02. Review status: criteria provided, single submitter. Criteria: Invitae Variant Classification Sherloc (09022015). Collection method: clinical testing. Allele origin: germline.
Comment: For these reasons, this variant has been classified as Pathogenic. Algorithms developed to predict the effect of sequence changes on RNA splicing suggest that this variant may disrupt the consensus splice site. ClinVar contains an entry for this variant (Variation ID: 218154). This premature translational stop signal has been observed in individual(s) with FRRS1L-related conditions (PMID: 27236917). This variant is not present in population databases (gnomAD no frequency). This sequence change creates a premature translational stop signal (p.Ile146Asnfs*10) in the FRRS1L gene. It is expected to result in an absent or disrupted protein product. Loss-of-function variants in FRRS1L are known to be pathogenic (PMID: 27236917).

Institute of Human Genetics Munich, TUM University Hospital
Classification: Pathogenic for Developmental and epileptic encephalopathy, 37. Last evaluated: 2017-10-25. Review status: criteria provided, single submitter. Criteria: Classification criteria August 2017. Collection method: clinical testing. Allele origin: germline. Inheritance: Autosomal recessive inheritance. Affected: yes. Observed: 1 homozygote.

OMIM
Classification: Pathogenic for DEVELOPMENTAL AND EPILEPTIC ENCEPHALOPATHY 37. Last evaluated: 2020-10-23. Review status: no assertion criteria provided. Collection method: literature only. Allele origin: germline. Not counted in ClinVar's aggregate classification.

Kruer lab, Phoenix Children's Hospital
Classification: Pathogenic for Chorea; Seizure; Progressive encephalopathy. Last evaluated: 2015-11-11. Review status: no assertion criteria provided. Collection method: research. Allele origin: inherited. Affected: yes. Observed: 1 variant allele. Not counted in ClinVar's aggregate classification.
Comment: Predicted deleterious

Literature cited by the submitters: PubMed 27236917 (cited by 4 submitters).

NM_014334.4(FRRS1L):c.283dup (p.Ile95fs)

Gene: FRRS1L (ferric chelate reductase 1 like; minus strand). Cytogenetic location: 9q31.3.
Variant type: Duplication.
Coding change: c.283dup on transcript NM_014334.4 (MANE Select); coding-DNA position 283, one base duplicated (A; older notation c.283dupA).
Protein change: p.Ile95fs; shifts the reading frame from isoleucine 95.
Molecular consequence: frameshift variant.
Genome position (GRCh38, 1-based): chr9:109,149,676, T duplicated on the plus strand (A on the coding strand, the reverse complement: FRRS1L is on the minus strand); the first of 4 consecutive T bases (chr9:109,149,676-109,149,679); duplicating any one gives the same sequence. VCF-style (leftmost placement, unchanged base first): chr9-109149675-A-AT. GRCh37 (hg19) VCF-style: chr9-111911955-A-AT.
Other names: c.436dupA (NM_014334.2); short protein forms I95fs.
Identifiers: ClinVar variation 218154 (VCV000218154.13), dbSNP rs878853283, ClinGen allele CA10575815.